The following is an entry in ClinVar:

NM_002875.5(RAD51):c.978G>A (p.Met326Ile)

Gene: RAD51 (RAD51 recombinase; plus strand). Cytogenetic location: 15q15.1.
Variant type: single nucleotide variant.
Coding change: c.978G>A on transcript NM_002875.5 (MANE Select); coding-DNA position 978, G replaced by A.
Protein change: p.Met326Ile; replaces methionine 326 with isoleucine.
Molecular consequence: missense variant. On other transcripts: 3 prime UTR variant (1).
Genome position (GRCh38, 1-based): chr15:40,731,136, G>A. VCF-style: chr15-40731136-G-A. GRCh37 (hg19) VCF-style: chr15-41023334-G-A.
Other names: c.981G>A, p.Met327Ile (NM_001164269.2, NM_133487.4); c.*13G>A (NM_001164270.2); short protein forms M327I, M326I.
Identifiers: ClinVar variation 2462749 (VCV002462749.2), dbSNP rs374679595, ClinGen allele CA7484158.

ClinVar aggregate classification (germline): Uncertain significance (1 of 4 stars; one submission).

Conditions:
Inborn genetic diseases. Identifiers: MedGen C0950123, MeSH D030342.

Allele frequency attached by ClinVar (database versions not stated): ExAC 0.00001; gnomAD 0.00001; TOPMed 0.00001; ESP Exome Variant Server 0.00008.
gnomAD v4.1: 2 of 1,614,026 alleles (0.00012%); highest among the groups gnomAD compares: African/African-American, 0.0027%; no homozygotes.

Submission:

Ambry Genetics
Classification: Uncertain significance for Inborn genetic diseases. Last evaluated: 2023-03-08. Review status: criteria provided, single submitter. Criteria: Ambry Variant Classification Scheme 2023. Collection method: clinical testing. Allele origin: germline.
Comment: The p.M326I variant (also known as c.978G>A), located in coding exon 9 of the RAD51 gene, results from a G to A substitution at nucleotide position 978. The methionine at codon 326 is replaced by isoleucine, an amino acid with highly similar properties. This amino acid position is conserved. In addition, this alteration is predicted to be tolerated by in silico analysis. Since supporting evidence is limited at this time, the clinical significance of this alteration remains unclear.